The following is an entry in ClinVar:

ClinVar aggregate classification (germline): Uncertain significance (1 of 4 stars; one submission).

Conditions:
Long QT syndrome 1 (LQT1). Identifiers: Orphanet 101016, Orphanet 768, MedGen C4551647, MONDO:0100316, OMIM 192500, MONDO:0008646.

Submission:

Labcorp Genetics (formerly Invitae), Labcorp
Classification: Uncertain significance for Long QT syndrome 1. Last evaluated: 2023-12-04. Review status: criteria provided, single submitter. Criteria: Invitae Variant Classification Sherloc (09022015). Collection method: clinical testing. Allele origin: unknown.
Comment: This variant results in a copy number gain of the genomic region encompassing exon(s) 1 of the CALM2 gene. This region includes the initiator codon of the gene. This copy number gain extends beyond the assayed region for this gene and therefore may encompass additional genes. As the precise location of this event is unknown, it may be in tandem or it may be located elsewhere in the genome. This variant has not been reported in the literature in individuals affected with CALM2-related conditions. In summary, the available evidence is currently insufficient to determine the role of this variant in disease. Therefore, it has been classified as a Variant of Uncertain Significance.

NC_000002.11:g.(?_47403560)_(47403582_?)dup

Gene: CALM2 (calmodulin 2; minus strand). Cytogenetic location: 2p21.
Variant type: Duplication.
Identifiers: ClinVar variation 3247133 (VCV003247133.1).